The following is an entry in ClinVar:

NM_001080467.3(MYO5B):c.2004-11_2004-10del

Gene: MYO5B (myosin VB; minus strand). Cytogenetic location: 18q21.1.
Variant type: Microsatellite.
Coding change: c.2004-11_2004-10del on transcript NM_001080467.3 (MANE Select); 11 bases into the intron before coding-DNA position 2004 through 10 bases into the intron before coding-DNA position 2004, 2 bases deleted (TC; older notation c.2004-11_2004-10delTC).
Molecular consequence: intron variant.
Genome position (GRCh38, 1-based): chr18:49,929,608-49,929,609, GA deleted on the plus strand (TC on the coding strand, the reverse complement: MYO5B is on the minus strand); deleting any 2 consecutive bases within chr18:49,929,608-49,929,611 gives the same sequence; the c. name uses the placement nearest the transcript's 3' end. VCF-style (leftmost placement, unchanged base first): chr18-49929607-GGA-G. GRCh37 (hg19) VCF-style: chr18-47455977-GGA-G.
Other names: p.?.
Identifiers: ClinVar variation 327055 (VCV000327055.14), dbSNP rs771242570, ClinGen allele CA8961256.

ClinVar aggregate classification (germline): Likely benign. Review status: criteria provided, multiple submitters, no conflicts (2 of 4 stars). 2 submissions from 2 submitters: Likely benign (2). Last evaluated 2025-10-21.

Submissions (2):

Labcorp Genetics (formerly Invitae), Labcorp
Classification: Likely benign. Last evaluated: 2025-10-21. Review status: criteria provided, single submitter. Criteria: Invitae Variant Classification Sherloc (09022015). Collection method: clinical testing. Allele origin: germline.

Mayo Clinic Laboratories, Mayo Clinic
Classification: Likely benign. Last evaluated: 2025-09-04. Review status: criteria provided, single submitter. Criteria: ACMG Guidelines, 2015. Collection method: clinical testing. Allele origin: germline. Observed: 1 variant allele.
Comment: BP4, BP7